The following is an entry in ClinVar:

NM_001318895.3(FHL2):c.756G>T (p.Lys252Asn)

Genes: C2orf49 (chromosome 2 open reading frame 49; plus strand), FHL2 (four and a half LIM domains 2; minus strand). Cytogenetic location: 2q12.2.
Variant type: single nucleotide variant.
Coding change: c.756G>T on transcript NM_001318895.3 (MANE Select); coding-DNA position 756, G replaced by T.
Protein change: p.Lys252Asn; replaces lysine 252 with asparagine.
Molecular consequence: missense variant.
Genome position (GRCh38, 1-based): chr2:105,361,367, C>A on the plus strand (G>T on the coding strand, the complement: FHL2 is on the minus strand). VCF-style: chr2-105361367-C-A. GRCh37 (hg19) VCF-style: chr2-105977824-C-A.
Other names: c.756G>T, p.Lys252Asn (NM_001039492.3, NM_001318894.1, NM_001318896.2 and 4 more transcripts); c.414G>T, p.Lys138Asn (NM_001318897.2, NM_001318898.2); c.432G>T, p.Lys144Asn (NM_001318899.2); short protein forms K252N, K138N, K144N.
Identifiers: ClinVar variation 2004207 (VCV002004207.4), dbSNP rs756601082, ClinGen allele CA347995271.

ClinVar aggregate classification (germline): Uncertain significance (1 of 4 stars; one submission).

Conditions:
Primary dilated cardiomyopathy (DCM). Also called: Dilated Cardiomyopathy. Identifiers: Orphanet 217604, MedGen C0007193, MeSH D002311, MONDO:0005021, HP:0001644. Inheritance: Various modes of inheritance.

Submission:

Labcorp Genetics (formerly Invitae), Labcorp
Classification: Uncertain significance for Primary dilated cardiomyopathy. Last evaluated: 2025-05-27. Review status: criteria provided, single submitter. Criteria: Invitae Variant Classification Sherloc (09022015). Collection method: clinical testing. Allele origin: germline.
Comment: This sequence change replaces lysine, which is basic and polar, with asparagine, which is neutral and polar, at codon 252 of the FHL2 protein (p.Lys252Asn). This variant is not present in population databases (gnomAD no frequency). This variant has not been reported in the literature in individuals affected with FHL2-related conditions. ClinVar contains an entry for this variant (Variation ID: 2004207). Invitae Evidence Modeling of protein sequence and biophysical properties (such as structural, functional, and spatial information, amino acid conservation, physicochemical variation, residue mobility, and thermodynamic stability) indicates that this missense variant is not expected to disrupt FHL2 protein function with a negative predictive value of 80%. In summary, the available evidence is currently insufficient to determine the role of this variant in disease. Therefore, it has been classified as a Variant of Uncertain Significance.